The following is an entry in ClinVar:

NM_020911.2(PLXNA4):c.4812C>G (p.Ala1604=)

Gene: PLXNA4 (plexin A4; minus strand). Cytogenetic location: 7q32.3.
Variant type: single nucleotide variant.
Coding change: c.4812C>G on transcript NM_020911.2 (MANE Select); coding-DNA position 4812, C replaced by G.
Protein change: p.Ala1604=; no amino-acid change (alanine 1604 retained).
Molecular consequence: synonymous variant.
Genome position (GRCh38, 1-based): chr7:132,147,952, G>C on the plus strand (C>G on the coding strand, the complement: PLXNA4 is on the minus strand). VCF-style: chr7-132147952-G-C. GRCh37 (hg19) VCF-style: chr7-131832711-G-C.
Other names: c.4812C>G, p.Ala1604= (NM_001393897.1).
Identifiers: ClinVar variation 3357422 (VCV003357422.1).
Genomic context (GRCh38, chr7:132,147,952, plus strand): 5'-GATCTTACCATATTTACTTGCTGAGGTCCTGGAGACGGTGGAGTTGTTCACTGCGTTATA[G>C]GCTGTCACCTGCTTGGACACTAATGCCACCACGGAACCATCTGGCACCTACAGGGAAAAA-3'
Protein context (NP_065962.1, residues 1594-1614): VVALVSKQVT[Ala1604=]YNAVNNSTVS

ClinVar aggregate classification (germline): Likely benign (0 of 4 stars; one submission).

Conditions:
PLXNA4-related disorder. Also called: PLXNA4-related condition.

gnomAD v4.1: 36 of 1,614,136 alleles (0.0022%); highest among the groups gnomAD compares: Non-Finnish European, 0.003%; no homozygotes.

Submission:

PreventionGenetics, part of Exact Sciences
Classification: Likely benign for PLXNA4-related condition. Last evaluated: 2021-06-30. Review status: no assertion criteria provided. Collection method: clinical testing. Allele origin: germline.
Comment: This variant is classified as likely benign based on ACMG/AMP sequence variant interpretation guidelines (Richards et al. 2015 PMID: 25741868, with internal and published modifications).